The following is an entry in ClinVar:

ClinVar aggregate classification (germline): Uncertain significance. Review status: criteria provided, multiple submitters, no conflicts (2 of 4 stars). 2 submissions from 2 submitters: Uncertain significance (2). Last evaluated 2024-08-01.

Conditions:
Inborn genetic diseases. Identifiers: MedGen C0950123, MeSH D030342.

Allele frequency attached by ClinVar (database versions not stated): gnomAD 0.00001; gnomAD exomes 0.00001; TOPMed 0.00001.
gnomAD v4.1: 12 of 1,614,072 alleles (0.00074%); highest among the groups gnomAD compares: Non-Finnish European, 0.001%; no homozygotes.

Submissions (2):

Ambry Genetics
Classification: Uncertain significance for Inborn genetic diseases. Last evaluated: 2024-08-01. Review status: criteria provided, single submitter. Criteria: Ambry Variant Classification Scheme 2023. Collection method: clinical testing. Allele origin: germline.

Labcorp Genetics (formerly Invitae), Labcorp
Classification: Uncertain significance. Last evaluated: 2023-07-26. Review status: criteria provided, single submitter. Criteria: Invitae Variant Classification Sherloc (09022015). Collection method: clinical testing. Allele origin: germline.
Comment: An algorithm developed to predict the effect of missense changes on protein structure and function (PolyPhen-2) suggests that this variant is likely to be tolerated. This variant has not been reported in the literature in individuals affected with CTR9-related conditions. This variant is not present in population databases (gnomAD no frequency). This sequence change replaces glutamic acid, which is acidic and polar, with lysine, which is basic and polar, at codon 1135 of the CTR9 protein (p.Glu1135Lys). In summary, the available evidence is currently insufficient to determine the role of this variant in disease. Therefore, it has been classified as a Variant of Uncertain Significance.

NM_014633.5(CTR9):c.3403G>A (p.Glu1135Lys)

Gene: CTR9 (CTR9 component of Paf1/RNA polymerase II complex; plus strand). Cytogenetic location: 11p15.4.
Variant type: single nucleotide variant.
Coding change: c.3403G>A on transcript NM_014633.5 (MANE Select); coding-DNA position 3403, G replaced by A.
Protein change: p.Glu1135Lys; replaces glutamic acid 1135 with lysine.
Molecular consequence: missense variant.
Genome position (GRCh38, 1-based): chr11:10,778,986, G>A. VCF-style: chr11-10778986-G-A. GRCh37 (hg19) VCF-style: chr11-10800533-G-A.
Other names: c.3403G>A (NM_014633.3); c.3331G>A, p.Glu1111Lys (NM_001346279.2); short protein forms E1111K, E1135K.
Identifiers: ClinVar variation 2884888 (VCV002884888.4), dbSNP rs1034042452, ClinGen allele CA217715276.
Genomic context (GRCh38, chr11:10,778,986, plus strand): 5'-GGAGTTTCTGAGAACGACTCTCGCCCAGCTTCTCCAAGTGCCGAATCAGATCACGAATCG[G>A]AGAGAGGATCTGATAATGAGGGTTCTGGCCAAGGCTCTGGAAATGAATCGGAACCAGAGG-3'
Protein context (NP_055448.1, residues 1125-1145): SPSAESDHES[Glu1135Lys]RGSDNEGSGQ